The following is an entry in ClinVar:

GRCh37/hg19 2q37.2-37.3(chr2:236878509-242783384)x1

Genes: ACKR3 (atypical chemokine receptor 3; plus strand), AGAP1 (ArfGAP with GTPase domain, ankyrin repeat and PH domain 1; plus strand), AGXT (alanine--glyoxylate aminotransferase; plus strand), ANKMY1 (ankyrin repeat and MYND domain containing 1; minus strand), ANO7 (anoctamin 7; plus strand) and 55 more. Cytogenetic location: 2q37.2-37.3.
Variant type: copy number loss.
Change: copy number 1 (one copy instead of two) of chr2:236,878,509-242,783,384 (5.90 Mb, GRCh37 coordinates, 1-based), cytogenetic band 2q37.2-37.3.
Identifiers: ClinVar variation 1808622 (VCV001808622.1).

ClinVar aggregate classification (germline): Pathogenic (1 of 4 stars; one submission).

Submission:

Quest Diagnostics Nichols Institute San Juan Capistrano
Classification: Pathogenic. Last evaluated: 2022-04-05. Review status: criteria provided, single submitter. Criteria: ACMG/ClinGen CNV Guidelines, 2019. Collection method: clinical testing. Allele origin: unknown.
Comment: The 2q37.2q37.3 deletion is associated with chromosome 2q37 deletion syndrome (OMIM 600430). Patients with chromosome 2q37 deletion syndrome show highly variable clinical manifestations likely resulting from different deletion sizes and loss of different genes. The common clinical features include Albright hereditary osteodystrophy (AHO)-like metacarpal/metatarsal shortening (brachymetaphalangism), variable degree of intellectual disability, facial dysmorphism, epilepsy, eczema, Wilm's tumor, and urogenital anomalies (Aldred et al 2004 J. Med. Genet. 41: 433-439. PMID: 15173228; Williams et al. Am J Hum Genet. 2010. Aug 13;87(2):219-28 PMID: 20691407; Fisch et al. Am J Med Genet A. 2016 Sep; 170(9):2282-91. PMID: 27282419; Doherty and Lacbawan. GeneReviews: 2q37 Microdeletion Syndrome).